The following is an entry in ClinVar:

NM_007347.5(AP4E1):c.1216A>G (p.Ile406Val)

Gene: AP4E1 (adaptor related protein complex 4 subunit epsilon 1; plus strand). Cytogenetic location: 15q21.2.
Variant type: single nucleotide variant.
Coding change: c.1216A>G on transcript NM_007347.5 (MANE Select); coding-DNA position 1216, A replaced by G.
Protein change: p.Ile406Val; replaces isoleucine 406 with valine.
Molecular consequence: missense variant.
Genome position (GRCh38, 1-based): chr15:50,948,059, A>G. VCF-style: chr15-50948059-A-G. GRCh37 (hg19) VCF-style: chr15-51240256-A-G.
Other names: c.991A>G, p.Ile331Val (NM_001252127.2); short protein forms I331V, I406V.
Identifiers: ClinVar variation 1396887 (VCV001396887.5), dbSNP rs371779124, ClinGen allele CA7559012.

ClinVar aggregate classification (germline): Uncertain significance (1 of 4 stars; one submission).

Conditions:
Spastic paraplegia. Identifiers: MedGen C0037772, HP:0001258.

Allele frequency attached by ClinVar (database versions not stated): gnomAD exomes 0.00002 and 0.00004; gnomAD 0.00004 and 0.00005; ExAC 0.00005; TOPMed 0.00006; ESP Exome Variant Server 0.00008.

Submission:

Labcorp Genetics (formerly Invitae), Labcorp
Classification: Uncertain significance for Spastic paraplegia. Last evaluated: 2025-01-27. Review status: criteria provided, single submitter. Criteria: Invitae Variant Classification Sherloc (09022015). Collection method: clinical testing. Allele origin: germline.
Comment: This sequence change replaces isoleucine, which is neutral and non-polar, with valine, which is neutral and non-polar, at codon 406 of the AP4E1 protein (p.Ile406Val). This variant is present in population databases (rs371779124, gnomAD 0.02%). This variant has not been reported in the literature in individuals affected with AP4E1-related conditions. ClinVar contains an entry for this variant (Variation ID: 1396887). An algorithm developed to predict the effect of missense changes on protein structure and function outputs the following: PolyPhen-2: "Benign". The valine amino acid residue is found in multiple mammalian species, which suggests that this missense change does not adversely affect protein function. In summary, the available evidence is currently insufficient to determine the role of this variant in disease. Therefore, it has been classified as a Variant of Uncertain Significance.